The following is an entry in ClinVar:

NM_014927.5(CNKSR2):c.3096G>C (p.Thr1032=)

Gene: CNKSR2 (connector enhancer of kinase suppressor of Ras 2; plus strand). Cytogenetic location: Xp22.12.
Variant type: single nucleotide variant.
Coding change: c.3096G>C on transcript NM_014927.5 (MANE Select); coding-DNA position 3096, G replaced by C.
Protein change: p.Thr1032=; no amino-acid change (threonine 1032 retained).
Molecular consequence: synonymous variant.
Genome position (GRCh38, 1-based): chrX:21,652,512, G>C. VCF-style: chrX-21652512-G-C. GRCh37 (hg19) VCF-style: chrX-21670630-G-C.
Other names: c.3006G>C, p.Thr1002= (NM_001168647.3); c.2949G>C, p.Thr983= (NM_001330770.2); c.2859G>C, p.Thr953= (NM_001330772.2).
Identifiers: ClinVar variation 2660149 (VCV002660149.24), dbSNP rs780916514, ClinGen allele CA515419559.

ClinVar aggregate classification (germline): Likely benign (1 of 4 stars; one submission).

gnomAD v4.1: 2 of 1,193,972 alleles (0.00017%); highest among the groups gnomAD compares: Non-Finnish European, 0.00023%; no homozygotes.

Submission:

CeGaT Center for Human Genetics Tuebingen
Classification: Likely benign. Last evaluated: 2022-07-01. Review status: criteria provided, single submitter. Criteria: CeGaT Center For Human Genetics Tuebingen Variant Classification Criteria Version 2. Collection method: clinical testing. Allele origin: germline. Affected: yes. Observed: 1 variant allele.
Comment: CNKSR2: PM2:Supporting, BP4, BP7